The following is an entry in ClinVar:

NM_144596.4(TTC8):c.399C>G (p.Gly133=)

Gene: TTC8 (tetratricopeptide repeat domain 8; plus strand). Cytogenetic location: 14q31.3.
Variant type: single nucleotide variant.
Coding change: c.399C>G on transcript NM_144596.4 (MANE Select); coding-DNA position 399, C replaced by G.
Protein change: p.Gly133=; no amino-acid change (glycine 133 retained).
Molecular consequence: synonymous variant. On other transcripts: 5 prime UTR variant (2), non-coding transcript variant (1).
Genome position (GRCh38, 1-based): chr14:88,841,106, C>G. VCF-style: chr14-88841106-C-G. GRCh37 (hg19) VCF-style: chr14-89307450-C-G.
Other names: c.369C>G, p.Gly123= (NM_001288781.1, NM_001366535.2, NM_001366536.2 and 2 more transcripts); c.-194C>G (NM_001288782.1); c.-289C>G (NM_001288783.1).
Identifiers: ClinVar variation 4996401 (VCV004996401.1).

ClinVar aggregate classification (germline): Likely benign (1 of 4 stars; one submission).

Conditions:
TTC8-related disorder. Also called: TTC8-related condition.

Submission:

PreventionGenetics, part of Exact Sciences
Classification: Likely benign for TTC8-related condition. Last evaluated: 2025-10-28. Review status: criteria provided, single submitter. Criteria: ACMG Guidelines, 2015. Collection method: clinical testing. Allele origin: germline.
Comment: This variant is classified as likely benign based on ACMG/AMP sequence variant interpretation guidelines (Richards et al. 2015 PMID: 25741868, with internal and published modifications).